The following is an entry in ClinVar:

NM_000051.4(ATM):c.1898+3A>G

Gene: ATM (ATM serine/threonine kinase; plus strand). Cytogenetic location: 11q22.3.
Variant type: single nucleotide variant.
Coding change: c.1898+3A>G on transcript NM_000051.4 (MANE Select); 3 bases into the intron after coding-DNA position 1898, A replaced by G.
Molecular consequence: intron variant.
Genome position (GRCh38, 1-based): chr11:108,252,915, A>G. VCF-style: chr11-108252915-A-G. GRCh37 (hg19) VCF-style: chr11-108123642-A-G.
Other names: c.1898+3A>G (NM_001351834.2, NM_000051.2).
Identifiers: ClinVar variation 453392 (VCV000453392.28), dbSNP rs200169643, ClinGen allele CA6264898.

ClinVar aggregate classification (germline): Conflicting classifications of pathogenicity. Review status: criteria provided, conflicting classifications (1 of 4 stars). 7 submissions from 7 submitters: Uncertain significance (4); Benign (1); Likely benign (1). 1 of the submissions does not count toward it. Last evaluated 2025-12-20.

Conditions:
Breast and/or ovarian cancer. Identifiers: MedGen CN221562.
Ataxia-telangiectasia syndrome (AT). Also called: Cerebello-oculocutaneous telangiectasia; Immunodeficiency with ataxia telangiectasia; Ataxia-telangiectasia, complementation group D; AT, COMPLEMENTATION GROUP C; Ataxia-telangiectasia, complementation group E; LOUIS-BAR SYNDROME. Identifiers: Orphanet 100, MedGen C0004135, MONDO:0008840, OMIM 208900.
Familial cancer of breast. Also called: Hereditary breast cancer; hereditary breast carcinoma; BREAST CANCER, FAMILIAL. Identifiers: Orphanet 227535, MedGen C0346153, MONDO:0016419, OMIM 114480. Disease mechanism: loss of function.
Hereditary cancer-predisposing syndrome. Also called: Tumor predisposition; Hereditary Cancer Syndrome; Neoplastic Syndromes, Hereditary; Hereditary neoplastic syndrome. Identifiers: Orphanet 140162, MedGen C0027672, MeSH D009386, MONDO:0015356.

Allele frequency attached by ClinVar (database versions not stated): TOPMed below 0.00001; gnomAD 0.00001 and 0.00003; gnomAD exomes 0.00001 and 0.00002; ExAC 0.00003; 1000 Genomes Project 0.00040; 1000 Genomes Project 30x 0.00047.
gnomAD v4.1: 20 of 1,596,304 alleles (0.0013%); highest among the groups gnomAD compares: East Asian, 0.018%; no homozygotes.

Submissions (7):

Labcorp Genetics (formerly Invitae), Labcorp
Classification: Benign for Ataxia-telangiectasia syndrome. Last evaluated: 2025-12-20. Review status: criteria provided, single submitter. Criteria: Invitae Variant Classification Sherloc (09022015). Collection method: clinical testing. Allele origin: germline.

Color Diagnostics, LLC DBA Color Health
Classification: Uncertain significance for Hereditary cancer-predisposing syndrome. Last evaluated: 2024-11-14. Review status: criteria provided, single submitter. Criteria: ACMG Guidelines, 2015. Collection method: clinical testing. Allele origin: germline.
Comment: This variant causes an A to G nucleotide substitution at the +3 position of intron 12 of the ATM gene. Splice site prediction tools predict that this variant may have a significant impact on RNA splicing. However, this prediction has not been confirmed in published RNA studies. This variant has not been reported in individuals affected with hereditary cancer in the literature. This variant has been identified in 5/281032 chromosomes in the general population by the Genome Aggregation Database (gnomAD). The available evidence is insufficient to determine the role of this variant in disease conclusively. Therefore, this variant is classified as a Variant of Uncertain Significance.

Ambry Genetics
Classification: Likely benign for Hereditary cancer-predisposing syndrome. Last evaluated: 2024-11-12. Review status: criteria provided, single submitter. Criteria: Ambry Variant Classification Scheme 2023. Collection method: clinical testing. Allele origin: germline.

Department of Pathology and Laboratory Medicine, Sinai Health System
Classification: Uncertain significance for Familial cancer of breast; Ataxia-telangiectasia syndrome. Last evaluated: 2024-10-31. Review status: criteria provided, single submitter. Criteria: ACMG Guidelines, 2015. Collection method: clinical testing. Allele origin: germline.

GeneDx
Classification: Uncertain significance. Last evaluated: 2023-08-26. Review status: criteria provided, single submitter. Criteria: GeneDx Variant Classification Process June 2021. Collection method: clinical testing. Allele origin: germline. Affected: yes.
Comment: Not observed at significant frequency in large population cohorts (gnomAD); In silico analysis supports that this variant does not alter splicing; Published RNA studies demonstrate no impact on splicing (Bueno-Martnez et al., 2022); Observed in an individual with pancreatic cancer (Terashima et al., 2022); This variant is associated with the following publications: (PMID: 36135357, 35716007)

CHEO Genetics Diagnostic Laboratory, Children's Hospital of Eastern Ontario
Classification: Uncertain significance for Breast and/or ovarian cancer. Last evaluated: 2021-10-14. Review status: criteria provided, single submitter. Criteria: ACMG Guidelines, 2015. Collection method: clinical testing. Allele origin: germline.

Natera, Inc.
Classification: Uncertain significance for Ataxia-telangiectasia. Last evaluated: 2021-05-19. Review status: no assertion criteria provided. Collection method: clinical testing. Allele origin: germline. Not counted in ClinVar's aggregate classification.

Literature cited by the submitters: PubMed 36135357 (cited by Ambry Genetics and Department of Pathology and Laboratory Medicine, Sinai Health System).